The following is an entry in ClinVar:

NM_001371904.1(APOA5):c.874A>C (p.Thr292Pro)

Gene: APOA5 (apolipoprotein A5; minus strand). Cytogenetic location: 11q23.3.
Variant type: single nucleotide variant.
Coding change: c.874A>C on transcript NM_001371904.1 (MANE Select); coding-DNA position 874, A replaced by C.
Protein change: p.Thr292Pro; replaces threonine 292 with proline.
Molecular consequence: missense variant.
Genome position (GRCh38, 1-based): chr11:116,790,355, T>G on the plus strand (A>C on the coding strand, the complement: APOA5 is on the minus strand). VCF-style: chr11-116790355-T-G. GRCh37 (hg19) VCF-style: chr11-116661071-T-G.
Other names: c.874A>C, p.Thr292Pro (NM_001166598.2, NM_052968.5); short protein forms T292P.
Identifiers: ClinVar variation 1764520 (VCV001764520.2), dbSNP rs766805532, ClinGen allele CA229337297.

ClinVar aggregate classification (germline): Uncertain significance (1 of 4 stars; one submission).

Conditions:
Cardiovascular phenotype. Identifiers: MedGen CN230736.

Allele frequency attached by ClinVar (database versions not stated): TOPMed 0.00002.

Submission:

Ambry Genetics
Classification: Uncertain significance for Cardiovascular phenotype. Last evaluated: 2021-09-21. Review status: criteria provided, single submitter. Criteria: Ambry Variant Classification Scheme 2023. Collection method: clinical testing. Allele origin: germline.
Comment: The p.T292P variant (also known as c.874A>C), located in coding exon 3 of the APOA5 gene, results from an A to C substitution at nucleotide position 874. The threonine at codon 292 is replaced by proline, an amino acid with highly similar properties. This amino acid position is conserved. In addition, this alteration is predicted to be deleterious by in silico analysis. Since supporting evidence is limited at this time, the clinical significance of this alteration remains unclear.